The following is an entry in ClinVar:

ClinVar aggregate classification (germline): Uncertain significance. Review status: criteria provided, multiple submitters, no conflicts (2 of 4 stars). 3 submissions from 3 submitters: Uncertain significance (3). Last evaluated 2025-08-13.

Conditions:
MARS1-related disorder. Also called: MARS1-related condition.
Severe early-onset pulmonary alveolar proteinosis due to MARS deficiency. Also called: PULMONARY ALVEOLAR PROTEINOSIS, REUNION ISLAND; Interstitial lung and liver disease. Identifiers: Orphanet 440427, MedGen C4225400, MONDO:0014206, OMIM 615486.
Charcot-Marie-Tooth disease axonal type 2U. Also called: CHARCOT-MARIE-TOOTH NEUROPATHY, TYPE 2U; CHARCOT-MARIE-TOOTH DISEASE, AXONAL, AUTOSOMAL DOMINANT, TYPE 2U. Identifiers: Orphanet 397735, MedGen C4084821, MONDO:0014566, OMIM 616280.

Allele frequency attached by ClinVar (database versions not stated): gnomAD exomes below 0.00001 and 0.00001; ExAC 0.00001; TOPMed 0.00001; gnomAD 0.00002.

Submissions (3):

PreventionGenetics, part of Exact Sciences
Classification: Uncertain significance for MARS1-related condition. Last evaluated: 2025-08-13. Review status: criteria provided, single submitter. Criteria: ACMG Guidelines, 2015. Collection method: clinical testing. Allele origin: germline.
Comment: The MARS1 c.1331T>C variant is predicted to result in the amino acid substitution p.Val444Ala. To our knowledge, this variant has not been reported in the literature. This variant is reported in 0.0% of alleles in individuals of African descent in gnomAD. At this time, the clinical significance of this variant is uncertain due to the absence of conclusive functional and genetic evidence.

Ambry Genetics
Classification: Uncertain significance. Last evaluated: 2025-01-21. Review status: criteria provided, single submitter. Criteria: Ambry Variant Classification Scheme 2023. Collection method: clinical testing. Allele origin: germline.

Labcorp Genetics (formerly Invitae), Labcorp
Classification: Uncertain significance for Charcot-Marie-Tooth disease axonal type 2U; Severe early-onset pulmonary alveolar proteinosis due to MARS deficiency. Last evaluated: 2024-11-15. Review status: criteria provided, single submitter. Criteria: Invitae Variant Classification Sherloc (09022015). Collection method: clinical testing. Allele origin: germline.
Comment: This sequence change replaces valine, which is neutral and non-polar, with alanine, which is neutral and non-polar, at codon 444 of the MARS protein (p.Val444Ala). This variant is not present in population databases (gnomAD no frequency). This variant has not been reported in the literature in individuals affected with MARS-related conditions. ClinVar contains an entry for this variant (Variation ID: 573020). An algorithm developed to predict the effect of missense changes on protein structure and function (PolyPhen-2) suggests that this variant is likely to be tolerated. In summary, the available evidence is currently insufficient to determine the role of this variant in disease. Therefore, it has been classified as a Variant of Uncertain Significance.

NM_004990.4(MARS1):c.1331T>C (p.Val444Ala)

Gene: MARS1 (methionyl-tRNA synthetase 1; plus strand). Cytogenetic location: 12q13.3.
Variant type: single nucleotide variant.
Coding change: c.1331T>C on transcript NM_004990.4 (MANE Select); coding-DNA position 1331, T replaced by C.
Protein change: p.Val444Ala; replaces valine 444 with alanine.
Molecular consequence: missense variant.
Genome position (GRCh38, 1-based): chr12:57,504,262, T>C. VCF-style: chr12-57504262-T-C. GRCh37 (hg19) VCF-style: chr12-57898045-T-C.
Other names: short protein forms V444A.
Identifiers: ClinVar variation 573020 (VCV000573020.10), dbSNP rs780028144, ClinGen allele CA6650478.